The following is an entry in ClinVar:

NM_004183.4(BEST1):c.137T>C (p.Ile46Thr)

Gene: BEST1 (bestrophin 1; plus strand). Cytogenetic location: 11q12.3.
Variant type: single nucleotide variant.
Coding change: c.137T>C on transcript NM_004183.4 (MANE Select); coding-DNA position 137, T replaced by C.
Protein change: p.Ile46Thr; replaces isoleucine 46 with threonine.
Molecular consequence: missense variant. On other transcripts: non-coding transcript variant (1), intron variant (6).
Genome position (GRCh38, 1-based): chr11:61,951,943, T>C. VCF-style: chr11-61951943-T-C. GRCh37 (hg19) VCF-style: chr11-61719415-T-C.
Other names: c.137T>C, p.Ile46Thr (NM_001363592.2, NM_001440571.1, NM_001440572.1 and 1 more transcripts); c.-29+1516T>C (NM_001139443.3, NM_001300787.2, NM_001440574.1 and 3 more transcripts); short protein forms I46T.
Identifiers: ClinVar variation 1347697 (VCV001347697.6), dbSNP rs989919477, ClinGen allele CA222931409.

ClinVar aggregate classification (germline): Uncertain significance (1 of 4 stars; one submission).

Allele frequency attached by ClinVar (database versions not stated): gnomAD exomes below 0.00001; TOPMed 0.00001.

Submission:

Labcorp Genetics (formerly Invitae), Labcorp
Classification: Uncertain significance. Last evaluated: 2022-10-24. Review status: criteria provided, single submitter. Criteria: Invitae Variant Classification Sherloc (09022015). Collection method: clinical testing. Allele origin: germline.
Comment: In summary, the available evidence is currently insufficient to determine the role of this variant in disease. Therefore, it has been classified as a Variant of Uncertain Significance. Advanced modeling of protein sequence and biophysical properties (such as structural, functional, and spatial information, amino acid conservation, physicochemical variation, residue mobility, and thermodynamic stability) performed at Invitae indicates that this missense variant is expected to disrupt BEST1 protein function. ClinVar contains an entry for this variant (Variation ID: 1347697). This variant has not been reported in the literature in individuals affected with BEST1-related conditions. This variant is not present in population databases (gnomAD no frequency). This sequence change replaces isoleucine, which is neutral and non-polar, with threonine, which is neutral and polar, at codon 46 of the BEST1 protein (p.Ile46Thr).